The following is an entry in ClinVar:

NM_032382.5(COG8):c.1683G>A (p.Thr561=)

Genes: COG8 (component of oligomeric golgi complex 8; minus strand), LOC130059304 (ATAC-STARR-seq lymphoblastoid silent region 7657; plus strand). Cytogenetic location: 16q22.1.
Variant type: single nucleotide variant.
Coding change: c.1683G>A on transcript NM_032382.5 (MANE Select); coding-DNA position 1683, G replaced by A.
Protein change: p.Thr561=; no amino-acid change (threonine 561 retained).
Molecular consequence: synonymous variant. On other transcripts: intron variant (2).
Genome position (GRCh38, 1-based): chr16:69,330,995, C>T on the plus strand (G>A on the coding strand, the complement: COG8 is on the minus strand). VCF-style: chr16-69330995-C-T. GRCh37 (hg19) VCF-style: chr16-69364898-C-T.
Other names: c.1824G>A, p.Thr608= (NM_001379261.1); c.1683G>A, p.Thr561= (NM_001379262.1, NM_001379264.1); c.1722G>A, p.Thr574= (NM_001379263.1); c.1414-1816G>A (NM_001379266.1); c.1582+1719G>A (NM_001379265.1).
Identifiers: ClinVar variation 387760 (VCV000387760.2), dbSNP rs1057522897, ClinGen allele CA16607376.

ClinVar aggregate classification (germline): Likely benign. Review status: criteria provided, multiple submitters, no conflicts (2 of 4 stars). 2 submissions from 2 submitters: Likely benign (2). Last evaluated 2023-12-12.

Allele frequency attached by ClinVar (database versions not stated): gnomAD exomes 0.00001; TOPMed 0.00001.
gnomAD v4.1: 13 of 1,609,658 alleles (0.00081%); highest among the groups gnomAD compares: Middle Eastern, 0.033%; no homozygotes.

Submissions (2):

Blueprint Genetics
Classification: Likely benign. Last evaluated: 2023-12-12. Review status: criteria provided, single submitter. Criteria: ACMG Guidelines, 2015. Collection method: clinical testing. Allele origin: germline.

GeneDx
Classification: Likely benign. Last evaluated: 2018-01-29. Review status: criteria provided, single submitter. Criteria: GeneDx Variant Classification (06012015). Collection method: clinical testing. Allele origin: germline. Affected: yes.
Comment: This variant is considered likely benign or benign based on one or more of the following criteria: it is a conservative change, it occurs at a poorly conserved position in the protein, it is predicted to be benign by multiple in silico algorithms, and/or has population frequency not consistent with disease.